The following is an entry in ClinVar:

NM_000044.6(AR):c.749G>T (p.Gly250Val)

Gene: AR (androgen receptor; plus strand). Cytogenetic location: Xq12.
Variant type: single nucleotide variant.
Coding change: c.749G>T on transcript NM_000044.6 (MANE Select); coding-DNA position 749, G replaced by T.
Protein change: p.Gly250Val; replaces glycine 250 with valine.
Molecular consequence: missense variant. On other transcripts: 5 prime UTR variant (1).
Genome position (GRCh38, 1-based): chrX:67,545,895, G>T. VCF-style: chrX-67545895-G-T. GRCh37 (hg19) VCF-style: chrX-66765737-G-T.
Other names: c.-1035G>T (NM_001011645.3); c.749G>T, p.Gly250Val (NM_001348061.1, NM_001348063.1, NM_001348064.1); short protein forms G250V.
Identifiers: ClinVar variation 4793974 (VCV004793974.1).

ClinVar aggregate classification (germline): Uncertain significance (1 of 4 stars; one submission).

Conditions:
Androgen resistance syndrome (AIS). Also called: ANDROGEN RECEPTOR DEFICIENCY; DIHYDROTESTOSTERONE RECEPTOR DEFICIENCY; TESTICULAR FEMINIZATION SYNDROME; DHTR DEFICIENCY; Androgen insensitivity syndrome; Androgen insensitivity. Identifiers: Orphanet 754, Orphanet 99429, MedGen C0039585, MONDO:0019154, OMIM 300068. Disease mechanism: loss of function.
Kennedy disease (SMAX1). Also called: SPINAL AND BULBAR MUSCULAR ATROPHY, X-LINKED 1; KENNEDY SPINAL AND BULBAR MUSCULAR ATROPHY; Spinal and Bulbar Muscular Atrophy. Identifiers: Orphanet 481, MedGen C1839259, MONDO:0010735, OMIM 313200.

Submission:

Labcorp Genetics (formerly Invitae), Labcorp
Classification: Uncertain significance for Kennedy disease; Androgen resistance syndrome. Last evaluated: 2025-11-23. Review status: criteria provided, single submitter. Criteria: Invitae Variant Classification Sherloc (09022015). Collection method: clinical testing. Allele origin: germline.
Comment: This sequence change replaces glycine, which is neutral and non-polar, with valine, which is neutral and non-polar, at codon 250 of the AR protein (p.Gly250Val). This variant is not present in population databases (gnomAD no frequency). This variant has not been reported in the literature in individuals affected with AR-related conditions. Invitae Evidence Modeling of protein sequence and biophysical properties (such as structural, functional, and spatial information, amino acid conservation, physicochemical variation, residue mobility, and thermodynamic stability) has been performed for this missense variant. However, the output from this modeling did not meet the statistical confidence thresholds required to predict the impact of this variant on AR protein function. In summary, the available evidence is currently insufficient to determine the role of this variant in disease. Therefore, it has been classified as a Variant of Uncertain Significance.